The following is an entry in ClinVar:

NM_001321814.2(RAD51B):c.1037-9dup

Gene: RAD51B (RAD51 paralog B; plus strand). Cytogenetic location: 14q24.1.
Variant type: Duplication.
Coding change: c.1037-9dup on transcript NM_001321814.2; 9 bases into the intron before coding-DNA position 1037, one base duplicated (T; older notation c.1037-9dupT).
Molecular consequence: intron variant.
Genome position (GRCh38, 1-based): chr14:68,540,191, T duplicated; the last of 25 consecutive T bases (chr14:68,540,167-68,540,191); duplicating any one gives the same sequence. VCF-style (leftmost placement, unchanged base first): chr14-68540166-C-CT. GRCh37 (hg19) VCF-style: chr14-69006883-C-CT.
Other names: c.1036+71941dup (NM_001321818.2); c.1037-62472dup (NM_001321809.2, NM_001321810.2); c.1037-70815dup (NM_001321821.2); c.1037-54294dup (NM_133509.5); c.1037-9dup (NM_001321812.1); c.923-70967dup (NM_001321815.1).
Identifiers: ClinVar variation 3044129 (VCV003044129.2), dbSNP rs11321834, ClinGen allele CA708002103.
Genomic context (GRCh38, chr14:68,540,166, plus strand): 5'-GCTGCCCATGCTCAGCCCCTTCCAAATGCCTCCAGGACATGAGGGAATCCTACCCTGCTC[C>CT]TTTTTTTTTTTTTTTTTTTTTTTTTAAATACAGGATCTAGAGAATTCAAATGATCTGCTC-3'

ClinVar aggregate classification (germline): Likely benign (0 of 4 stars; one submission).

Conditions:
RAD51B-related disorder. Also called: RAD51B-related condition.

Submission:

PreventionGenetics, part of Exact Sciences
Classification: Likely benign for RAD51B-related condition. Last evaluated: 2022-11-11. Review status: no assertion criteria provided. Collection method: clinical testing. Allele origin: germline.
Comment: This variant is classified as likely benign based on ACMG/AMP sequence variant interpretation guidelines (Richards et al. 2015 PMID: 25741868, with internal and published modifications).